The following is an entry in ClinVar:

ClinVar aggregate classification (germline): Conflicting classifications of pathogenicity. Review status: criteria provided, conflicting classifications (1 of 4 stars). 4 submissions from 4 submitters: Pathogenic (2); Uncertain significance (1). 1 of the submissions does not count toward it. Last evaluated 2025-09-26.

Conditions:
CFI-related disorder. Also called: CFI-related disorders; CFI-related condition. Identifiers: MedGen CN239325.
Factor I deficiency (CFID). Also called: Complement factor I deficiency. Identifiers: Orphanet 200418, MedGen C3463916, MONDO:0012594, OMIM 610984.

Allele frequency attached by ClinVar (database versions not stated): ExAC 0.00001; TOPMed 0.00002.
gnomAD v4.1: 61 of 1,614,160 alleles (0.0038%); highest among the groups gnomAD compares: Non-Finnish European, 0.0048%; no homozygotes.

Submissions (4):

Genomenon, Inc
Classification: Pathogenic for CFI-related disorder. Last evaluated: 2025-09-26. Review status: criteria provided, single submitter. Criteria: Genomenon Sequence Variant Interpretation Standards - Updated. Collection method: curation. Allele origin: germline. Affected: yes.
Comment: CFI p.His418Leu (c.1253A>T) is a missense variant that changes the amino acid at residue 418 from Histidine to Leucine. This variant has been observed in at least one proband affected with a CFI-related disorder (PMID:27268256;8613545;19065647;32510551). It has been observed in trans with a pathogenic/likely pathogenic variant (PMID:19065647). At least one functional study has demonstrated a substantial alteration in protein function relative to the wild-type (PMID:19065647;32510551). It is absent or not present at a significant frequency in gnomAD. In silico models agree that this variant is possibly or probably damaging. In conclusion, we classify CFI p.His418Leu (c.1253A>T) as a pathogenic variant.

Center for Genomic Medicine, Rigshospitalet, Copenhagen University Hospital
Classification: Pathogenic. Last evaluated: 2025-03-04. Review status: criteria provided, single submitter. Criteria: ACMG Guidelines, 2015. Collection method: clinical testing. Allele origin: germline.

Labcorp Genetics (formerly Invitae), Labcorp
Classification: Uncertain significance. Last evaluated: 2023-09-08. Review status: criteria provided, single submitter. Criteria: Invitae Variant Classification Sherloc (09022015). Collection method: clinical testing. Allele origin: germline.
Comment: This variant is present in population databases (rs121964912, gnomAD 0.003%). This sequence change replaces histidine, which is basic and polar, with leucine, which is neutral and non-polar, at codon 418 of the CFI protein (p.His418Leu). This missense change has been observed in individual(s) with clinical features of CFI-related conditions (PMID: 8613545, 19065647, 32510551). In at least one individual the data is consistent with being in trans (on the opposite chromosome) from a pathogenic variant. In summary, the available evidence is currently insufficient to determine the role of this variant in disease. Therefore, it has been classified as a Variant of Uncertain Significance. Studies have shown that this missense change alters CFI gene expression (PMID: 19065647, 32510551). Advanced modeling of protein sequence and biophysical properties (such as structural, functional, and spatial information, amino acid conservation, physicochemical variation, residue mobility, and thermodynamic stability) performed at Invitae indicates that this missense variant is expected to disrupt CFI protein function. ClinVar contains an entry for this variant (Variation ID: 12118). This variant is also known as p.His400Leu.

OMIM
Classification: Pathogenic for COMPLEMENT FACTOR I DEFICIENCY. Last evaluated: 1996-02-15. Review status: no assertion criteria provided. Collection method: literature only. Allele origin: germline. Not counted in ClinVar's aggregate classification.

Literature cited by the submitters: PubMed 27268256 (cited by Genomenon, Inc); 8613545 (cited by Genomenon, Inc); 19065647 (cited by Genomenon, Inc); 32510551 (cited by Genomenon, Inc); PubMed 8613545 (cited by 3 submitters); PubMed 19065647 (cited by Center for Genomic Medicine, Rigshospitalet, Copenhagen University Hospital and Labcorp Genetics (formerly Invitae), Labcorp); PubMed 34153144 (cited by Center for Genomic Medicine, Rigshospitalet, Copenhagen University Hospital); PubMed 32510551 (cited by Center for Genomic Medicine, Rigshospitalet, Copenhagen University Hospital and Labcorp Genetics (formerly Invitae), Labcorp); PubMed 849647 (cited by OMIM).

NM_000204.5(CFI):c.1253A>T (p.His418Leu)

Gene: CFI (complement factor I; minus strand). Cytogenetic location: 4q25.
Variant type: single nucleotide variant.
Coding change: c.1253A>T on transcript NM_000204.5 (MANE Select); coding-DNA position 1253, A replaced by T.
Protein change: p.His418Leu; replaces histidine 418 with leucine.
Molecular consequence: missense variant. On other transcripts: non-coding transcript variant (2).
Genome position (GRCh38, 1-based): chr4:109,746,398, T>A on the plus strand (A>T on the coding strand, the complement: CFI is on the minus strand). VCF-style: chr4-109746398-T-A. GRCh37 (hg19) VCF-style: chr4-110667554-T-A.
Other names: H400L; c.1277A>T, p.His426Leu (NM_001318057.2, NM_001375278.1); c.1232A>T, p.His411Leu (NM_001331035.2, NM_001375280.1, NM_001375282.1); c.1253A>T, p.His418Leu (NM_001375279.1, NM_001375281.1); c.1196A>T, p.His399Leu (NM_001375283.1); c.644A>T, p.His215Leu (NM_001375284.1); short protein forms H418L, H411L, H426L, H215L, H399L.
Identifiers: ClinVar variation 12118 (VCV000012118.10), dbSNP rs121964912, ClinGen allele CA121902.